The following is an entry in ClinVar:

NM_152906.7(TANGO2):c.265G>A (p.Gly89Ser)

Gene: TANGO2 (transport and golgi organization 2 homolog; plus strand). Cytogenetic location: 22q11.21.
Variant type: single nucleotide variant.
Coding change: c.265G>A on transcript NM_152906.7 (MANE Select); coding-DNA position 265, G replaced by A.
Protein change: p.Gly89Ser; replaces glycine 89 with serine.
Molecular consequence: missense variant. On other transcripts: non-coding transcript variant (5).
Genome position (GRCh38, 1-based): chr22:20,052,584, G>A. VCF-style: chr22-20052584-G-A. GRCh37 (hg19) VCF-style: chr22-20040107-G-A.
Other names: c.265G>A, p.Gly89Ser (NM_001283106.3, NM_001283116.3, NM_001283148.3 and 10 more transcripts); c.388G>A, p.Gly130Ser (NM_001283129.3, NM_001283215.3, NM_001322141.2 and 5 more transcripts); c.86G>A, p.Ser29Asn (NM_001283235.3, NM_001322150.2, NM_001322153.2 and 6 more transcripts); c.86G>A, p.Arg29Lys (NM_001322146.2, NM_001322148.2, NM_001322160.2); short protein forms S29N, R29K, G130S, G89S.
Identifiers: ClinVar variation 2698549 (VCV002698549.3), dbSNP rs1313698326, ClinGen allele CA410696460.

ClinVar aggregate classification (germline): Uncertain significance (1 of 4 stars; one submission).

gnomAD v4.1: 1 of 1,562,512 alleles (0.000064%); highest among the groups gnomAD compares: Non-Finnish European, 0.000087%; no homozygotes.

Submission:

Labcorp Genetics (formerly Invitae), Labcorp
Classification: Uncertain significance. Last evaluated: 2025-10-02. Review status: criteria provided, single submitter. Criteria: Invitae Variant Classification Sherloc (09022015). Collection method: clinical testing. Allele origin: germline.
Comment: This sequence change replaces glycine, which is neutral and non-polar, with serine, which is neutral and polar, at codon 89 of the TANGO2 protein (p.Gly89Ser). This variant also falls at the last nucleotide of exon 4, which is part of the consensus splice site for this exon. This variant is not present in population databases (gnomAD no frequency). This variant has not been reported in the literature in individuals affected with TANGO2-related conditions. ClinVar contains an entry for this variant (Variation ID: 2698549). An algorithm developed to predict the effect of missense changes on protein structure and function (PolyPhen-2) suggests that this variant is likely to be disruptive. Variants that disrupt the consensus splice site are a relatively common cause of aberrant splicing (PMID: 17576681, 9536098). Algorithms developed to predict the effect of sequence changes on RNA splicing suggest that this variant may create or strengthen a splice site. In summary, the available evidence is currently insufficient to determine the role of this variant in disease. Therefore, it has been classified as a Variant of Uncertain Significance.

Literature cited by the submitters: PubMed 17576681; PubMed 9536098.